The following is an entry in ClinVar:

NM_021625.5(TRPV4):c.-16C>T

Gene: TRPV4 (transient receptor potential cation channel subfamily V member 4; minus strand). Cytogenetic location: 12q24.11.
Variant type: single nucleotide variant.
Coding change: c.-16C>T on transcript NM_021625.5 (MANE Select); 16 bases upstream of the start codon, C replaced by T.
Molecular consequence: 5 prime UTR variant.
Genome position (GRCh38, 1-based): chr12:109,814,812, G>A on the plus strand (C>T on the coding strand, the complement: TRPV4 is on the minus strand). VCF-style: chr12-109814812-G-A. GRCh37 (hg19) VCF-style: chr12-110252617-G-A.
Other names: c.-16C>T (NM_001177428.2, NM_001177431.2, NM_001177433.2 and 1 more transcripts).
Identifiers: ClinVar variation 916989 (VCV000916989.8), dbSNP rs762801533, ClinGen allele CA6780643.

ClinVar aggregate classification (germline): Uncertain significance. Review status: criteria provided, multiple submitters, no conflicts (2 of 4 stars). 2 submissions from 2 submitters: Uncertain significance (2). Last evaluated 2021-05-02.

Conditions:
Charcot-Marie-Tooth disease. Also called: Charcot-Marie-Tooth Hereditary Neuropathy; Charcot-Marie-Tooth Neuropathy. Identifiers: Orphanet 166, MedGen C0007959, MONDO:0015626.

Allele frequency attached by ClinVar (database versions not stated): gnomAD 0.00001; gnomAD exomes 0.00001; TOPMed 0.00001; ExAC 0.00008.
gnomAD v4.1: 44 of 1,537,014 alleles (0.0029%); highest among the groups gnomAD compares: East Asian, 0.0049%; no homozygotes.

Submissions (2):

ARUP Laboratories, Molecular Genetics and Genomics, ARUP Laboratories
Classification: Uncertain significance. Last evaluated: 2021-05-02. Review status: criteria provided, single submitter. Criteria: ARUP Molecular Germline Variant Investigation Process 2021. Collection method: clinical testing. Allele origin: germline.
Comment: This variant is reported in ClinVar (Variation ID: 916989). This variant is found in the general population with an overall allele frequency of 0.002% (3/168414 alleles) in the Genome Aggregation Database. This variant is located in the 5' untranslated region and creates a novel protein translation start codon that if utilized may cause a frameshift. However, given the lack of clinical and functional data, the significance of the c.-16C>T variant is uncertain at this time.

Molecular Genetics Laboratory, London Health Sciences Centre
Classification: Uncertain significance for Charcot-Marie-Tooth disease. Review status: criteria provided, single submitter. Criteria: ACMG Guidelines, 2015. Collection method: clinical testing. Allele origin: germline. Affected: yes.